The following is an entry in ClinVar:

ClinVar aggregate classification (germline): Uncertain significance. Review status: criteria provided, multiple submitters, no conflicts (2 of 4 stars). 5 submissions from 5 submitters: Uncertain significance (5). Last evaluated 2026-08-24.

Conditions:
CDH23-related disorder. Also called: CDH23-related condition; CDH23-related disorders.
Usher syndrome type 1 (USH1). Also called: RETINITIS PIGMENTOSA AND CONGENITAL DEAFNESS. Identifiers: Orphanet 231169, Orphanet 886, MedGen C1568247, MONDO:0010168, OMIM 276900.

Allele frequency attached by ClinVar (database versions not stated): ExAC 0.00006; gnomAD 0.00010; TOPMed 0.00010; ESP Exome Variant Server 0.00016.
gnomAD v4.1: 177 of 1,613,836 alleles (0.011%); highest among the groups gnomAD compares: African/African-American, 0.019%; no homozygotes.

Submissions (5):

PreventionGenetics, part of Exact Sciences
Classification: Uncertain significance for CDH23-related condition. Last evaluated: 2026-08-24. Review status: criteria provided, single submitter. Criteria: ACMG Guidelines, 2015. Collection method: clinical testing. Allele origin: germline.
Comment: The CDH23 c.8230G>A variant is predicted to result in the amino acid substitution p.Gly2744Ser. This variant was reported in the heterozygous state in an individual with Usher syndrome; however, a second potentially causative variant was not identified (Astuto et al. 2002. PubMed ID: 12075507). This variant is reported in 0.026% of alleles in individuals of African descent in gnomAD. At this time, the clinical significance of this variant is uncertain due to the absence of conclusive functional and genetic evidence.

GeneDx
Classification: Uncertain significance. Last evaluated: 2024-10-10. Review status: criteria provided, single submitter. Criteria: GeneDx Variant Classification Process June 2021. Collection method: clinical testing. Allele origin: germline. Affected: yes.
Comment: Reported in the heterozygous state in two patients belonging to the same family in published literature (PMID: 12075507); In silico analysis indicates that this missense variant does not alter protein structure/function; This variant is associated with the following publications: (PMID: 18368581, 12075507)

Labcorp Genetics (formerly Invitae), Labcorp
Classification: Uncertain significance. Last evaluated: 2022-09-21. Review status: criteria provided, single submitter. Criteria: Invitae Variant Classification Sherloc (09022015). Collection method: clinical testing. Allele origin: germline.
Comment: This sequence change replaces glycine, which is neutral and non-polar, with serine, which is neutral and polar, at codon 2744 of the CDH23 protein (p.Gly2744Ser). This variant is present in population databases (rs376189742, gnomAD 0.03%). This variant has not been reported in the literature in individuals affected with CDH23-related conditions. Advanced modeling of protein sequence and biophysical properties (such as structural, functional, and spatial information, amino acid conservation, physicochemical variation, residue mobility, and thermodynamic stability) performed at Invitae indicates that this missense variant is not expected to disrupt CDH23 protein function. Algorithms developed to predict the effect of sequence changes on RNA splicing suggest that this variant may create or strengthen a splice site. In summary, the available evidence is currently insufficient to determine the role of this variant in disease. Therefore, it has been classified as a Variant of Uncertain Significance.

Department of Pathology and Laboratory Medicine, Sinai Health System
Classification: Uncertain significance for Usher syndrome type 1. Last evaluated: 2022-08-09. Review status: criteria provided, single submitter. Criteria: ACMG Guidelines, 2015. Collection method: research. Allele origin: germline.

Breakthrough Genomics
Classification: Uncertain significance. Review status: criteria provided, single submitter. Criteria: ACMG Guidelines, 2015. Collection method: not provided. Allele origin: germline. Inheritance: Autosomal recessive inheritance. Affected: yes.

NM_022124.6(CDH23):c.8230G>A (p.Gly2744Ser)

Gene: CDH23 (cadherin related 23; plus strand). Cytogenetic location: 10q22.1.
Variant type: single nucleotide variant.
Coding change: c.8230G>A on transcript NM_022124.6 (MANE Select); coding-DNA position 8230, G replaced by A.
Protein change: p.Gly2744Ser; replaces glycine 2744 with serine.
Molecular consequence: missense variant.
Genome position (GRCh38, 1-based): chr10:71,807,328, G>A. VCF-style: chr10-71807328-G-A. GRCh37 (hg19) VCF-style: chr10-73567085-G-A.
Other names: c.1510G>A, p.Gly504Ser (NM_001171933.1, NM_001171934.1); c.8230G>A (NM_022124.5); short protein forms G504S, G2744S.
Identifiers: ClinVar variation 2136888 (VCV002136888.5), dbSNP rs376189742, ClinGen allele CA5546582.